The following is an entry in ClinVar:

NM_001854.4(COL11A1):c.898-292A>C

Gene: COL11A1 (collagen type XI alpha 1 chain; minus strand). Cytogenetic location: 1p21.1.
Variant type: single nucleotide variant.
Coding change: c.898-292A>C on transcript NM_001854.4 (MANE Select); 292 bases into the intron before coding-DNA position 898, A replaced by C.
Molecular consequence: intron variant. On other transcripts: missense variant (1).
Genome position (GRCh38, 1-based): chr1:103,025,905, T>G on the plus strand (A>C on the coding strand, the complement: COL11A1 is on the minus strand). VCF-style: chr1-103025905-T-G. GRCh37 (hg19) VCF-style: chr1-103491461-T-G.
Other names: c.828A>C, p.Lys276Asn (NM_080629.3); c.781-292A>C (NM_001190709.2); c.897+311A>C (NM_080630.4); short protein forms K276N.
Identifiers: ClinVar variation 668356 (VCV000668356.3), dbSNP rs12731843, ClinGen allele CA975247.

ClinVar aggregate classification (germline): Benign. Review status: criteria provided, multiple submitters, no conflicts (2 of 4 stars). 3 submissions from 3 submitters: Benign (3). Last evaluated 2024-11-26.

Allele frequency attached by ClinVar (database versions not stated): gnomAD exomes 0.07064; ExAC 0.07121; TOPMed 0.07926; 1000 Genomes Project 0.07927; gnomAD 0.07953 and 0.08016; ESP Exome Variant Server 0.07999; 1000 Genomes Project 30x 0.08089.
gnomAD v4.1: 105,275 of 1,612,598 alleles (6.5%); highest among the groups gnomAD compares: African/African-American, 12%; 3,701 homozygotes.

Submissions (3):

Blueprint Genetics
Classification: Benign. Last evaluated: 2024-11-26. Review status: criteria provided, single submitter. Criteria: ACMG Guidelines, 2015. Collection method: clinical testing. Allele origin: germline.

GeneDx
Classification: Benign. Last evaluated: 2018-06-01. Review status: criteria provided, single submitter. Criteria: GeneDx Variant Classification (06012015). Collection method: clinical testing. Allele origin: germline. Affected: yes.
Comment: This variant is considered likely benign or benign based on one or more of the following criteria: it is a conservative change, it occurs at a poorly conserved position in the protein, it is predicted to be benign by multiple in silico algorithms, and/or has population frequency not consistent with disease.

Breakthrough Genomics
Classification: Benign. Review status: criteria provided, single submitter. Criteria: ACMG Guidelines, 2015. Collection method: not provided. Allele origin: germline. Inheritance: Autosomal recessive inheritance. Affected: yes.